The following is an entry in ClinVar:

NM_001042492.3(NF1):c.3198-330A>G

Gene: NF1 (neurofibromin 1; plus strand). Cytogenetic location: 17q11.2.
Variant type: single nucleotide variant.
Coding change: c.3198-330A>G on transcript NM_001042492.3 (MANE Select); 330 bases into the intron before coding-DNA position 3198, A replaced by G.
Molecular consequence: intron variant.
Genome position (GRCh38, 1-based): chr17:31,231,743, A>G. VCF-style: chr17-31231743-A-G. GRCh37 (hg19) VCF-style: chr17-29558761-A-G.
Other names: c.3198-330A>G (NM_000267.4).
Identifiers: ClinVar variation 1728732 (VCV001728732.5), dbSNP rs2067116195, ClinGen allele CA2255568488.

ClinVar aggregate classification (germline): Uncertain significance. Review status: criteria provided, multiple submitters, no conflicts (2 of 4 stars). 2 submissions from 2 submitters: Uncertain significance (2). Last evaluated 2025-07-22.

Conditions:
Cardiovascular phenotype. Identifiers: MedGen CN230736.
Hereditary cancer-predisposing syndrome. Also called: Tumor predisposition; Neoplastic Syndromes, Hereditary; Hereditary Cancer Syndrome; Hereditary neoplastic syndrome. Identifiers: Orphanet 140162, MedGen C0027672, MeSH D009386, MONDO:0015356.
Juvenile myelomonocytic leukemia (JMML). Also called: LEUKEMIA, JUVENILE MYELOMONOCYTIC, SOMATIC. Identifiers: Orphanet 86834, MedGen C0349639, MONDO:0011908, OMIM 607785, HP:0012209.

Allele frequency attached by ClinVar (database versions not stated): TOPMed below 0.00001.

Submissions (2):

Ambry Genetics
Classification: Uncertain significance for Cardiovascular phenotype; Hereditary cancer-predisposing syndrome. Last evaluated: 2025-07-22. Review status: criteria provided, single submitter. Criteria: Ambry Variant Classification Scheme 2023. Collection method: clinical testing. Allele origin: germline.
Comment: The c.3198-330A>G intronic variant results from an A to G substitution 330 nucleotides upstream from coding exon 25 in the NF1 gene. This nucleotide position is conserved on limited sequence alignment. In silico splice site analysis predicts that this alteration will result in the creation or strengthening of a novel splice acceptor site; however, direct evidence is insufficient at this time (Ambry internal data). Since supporting evidence is limited at this time, the clinical significance of this alteration remains unclear.

Baylor Genetics
Classification: Uncertain significance for Juvenile myelomonocytic leukemia. Last evaluated: 2024-03-04. Review status: criteria provided, single submitter. Criteria: ACMG Guidelines, 2015. Collection method: clinical testing. Allele origin: unknown.